The following is an entry in ClinVar:

NM_001385012.1(NBEA):c.7432G>A (p.Val2478Met)

Gene: NBEA (neurobeachin; plus strand). Cytogenetic location: 13q13.3.
Variant type: single nucleotide variant.
Coding change: c.7432G>A on transcript NM_001385012.1 (MANE Select); coding-DNA position 7432, G replaced by A.
Protein change: p.Val2478Met; replaces valine 2478 with methionine.
Molecular consequence: missense variant.
Genome position (GRCh38, 1-based): chr13:35,606,561, G>A. VCF-style: chr13-35606561-G-A. GRCh37 (hg19) VCF-style: chr13-36180698-G-A.
Other names: c.811G>A, p.Val271Met (NM_001204197.3); c.7423G>A, p.Val2475Met (NM_001379245.1); c.7432G>A, p.Val2478Met (NM_015678.5); short protein forms V2478M, V271M, V2475M.
Identifiers: ClinVar variation 1810544 (VCV001810544.1), dbSNP rs2549869711, ClinGen allele CA387983479.

ClinVar aggregate classification (germline): Uncertain significance (1 of 4 stars; one submission).

Allele frequency attached by ClinVar (database versions not stated): gnomAD exomes below 0.00001.
gnomAD v4.1: 1 of 1,603,766 alleles (0.000062%); highest among the groups gnomAD compares: Non-Finnish European, 0.000085%; no homozygotes.

Submission:

GeneDx
Classification: Uncertain significance. Last evaluated: 2022-07-07. Review status: criteria provided, single submitter. Criteria: GeneDx Variant Classification Process June 2021. Collection method: clinical testing. Allele origin: germline. Affected: yes.
Comment: Not observed at significant frequency in large population cohorts (gnomAD); In silico analysis supports that this missense variant has a deleterious effect on protein structure/function; Has not been previously published as pathogenic or benign to our knowledge